The following is an entry in ClinVar:

ClinVar aggregate classification (germline): Likely benign (1 of 4 stars; one submission).

Allele frequency attached by ClinVar (database versions not stated): gnomAD exomes below 0.00001; ExAC 0.00001.
gnomAD v4.1: 1 of 1,608,290 alleles (0.000062%); highest among the groups gnomAD compares: Admixed American, 0.0017%; no homozygotes.

Submission:

GeneDx
Classification: Likely benign. Last evaluated: 2021-03-18. Review status: criteria provided, single submitter. Criteria: GeneDx Variant Classification Process June 2021. Collection method: clinical testing. Allele origin: germline. Affected: yes.
Comment: In silico analysis supports that this missense variant does not alter protein structure/function; Has not been previously published as pathogenic or benign to our knowledge

NM_030632.3(ASXL3):c.335C>A (p.Ala112Asp)

Gene: ASXL3 (ASXL transcriptional regulator 3; plus strand). Cytogenetic location: 18q12.1.
Variant type: single nucleotide variant.
Coding change: c.335C>A on transcript NM_030632.3 (MANE Select); coding-DNA position 335, C replaced by A.
Protein change: p.Ala112Asp; replaces alanine 112 with aspartic acid.
Molecular consequence: missense variant.
Genome position (GRCh38, 1-based): chr18:33,646,333, C>A. VCF-style: chr18-33646333-C-A. GRCh37 (hg19) VCF-style: chr18-31226297-C-A.
Other names: short protein forms A112D.
Identifiers: ClinVar variation 1187697 (VCV001187697.2), dbSNP rs757693785, ClinGen allele CA8933510.